The following is an entry in ClinVar:

ClinVar aggregate classification (germline): Uncertain significance. Review status: criteria provided, multiple submitters, no conflicts (2 of 4 stars). 2 submissions from 2 submitters: Uncertain significance (2). Last evaluated 2025-12-23.

Conditions:
Hereditary cancer-predisposing syndrome. Also called: Hereditary Cancer Syndrome; Neoplastic Syndromes, Hereditary; Hereditary neoplastic syndrome; Tumor predisposition. Identifiers: Orphanet 140162, MedGen C0027672, MeSH D009386, MONDO:0015356.
Juvenile polyposis syndrome (JPS). Identifiers: Orphanet 2929, MedGen C0345893, MONDO:0017380, OMIM 174900.

Submissions (2):

Labcorp Genetics (formerly Invitae), Labcorp
Classification: Uncertain significance for Juvenile polyposis syndrome. Last evaluated: 2025-12-23. Review status: criteria provided, single submitter. Criteria: Invitae Variant Classification Sherloc (09022015). Collection method: clinical testing. Allele origin: germline.
Comment: This sequence change replaces glutamic acid, which is acidic and polar, with valine, which is neutral and non-polar, at codon 393 of the BMPR1A protein (p.Glu393Val). This variant is not present in population databases (gnomAD no frequency). This variant has not been reported in the literature in individuals affected with BMPR1A-related conditions. ClinVar contains an entry for this variant (Variation ID: 806541). Invitae Evidence Modeling of protein sequence and biophysical properties (such as structural, functional, and spatial information, amino acid conservation, physicochemical variation, residue mobility, and thermodynamic stability) indicates that this missense variant is not expected to disrupt BMPR1A protein function with a negative predictive value of 80%. In summary, the available evidence is currently insufficient to determine the role of this variant in disease. Therefore, it has been classified as a Variant of Uncertain Significance.

Ambry Genetics
Classification: Uncertain significance for Hereditary cancer-predisposing syndrome. Last evaluated: 2024-02-21. Review status: criteria provided, single submitter. Criteria: Ambry Variant Classification Scheme 2023. Collection method: clinical testing. Allele origin: germline.
Comment: The p.E393V variant (also known as c.1178A>T), located in coding exon 9 of the BMPR1A gene, results from an A to T substitution at nucleotide position 1178. The glutamic acid at codon 393 is replaced by valine, an amino acid with dissimilar properties. This amino acid position is highly conserved in available vertebrate species. In addition, the in silico prediction for this alteration is inconclusive. Since supporting evidence is limited at this time, the clinical significance of this alteration remains unclear.

NM_004329.3(BMPR1A):c.1178A>T (p.Glu393Val)

Gene: BMPR1A (bone morphogenetic protein receptor type 1A; plus strand). Cytogenetic location: 10q23.2.
Variant type: single nucleotide variant.
Coding change: c.1178A>T on transcript NM_004329.3 (MANE Select); coding-DNA position 1178, A replaced by T.
Protein change: p.Glu393Val; replaces glutamic acid 393 with valine.
Molecular consequence: missense variant.
Genome position (GRCh38, 1-based): chr10:86,921,531, A>T. VCF-style: chr10-86921531-A-T. GRCh37 (hg19) VCF-style: chr10-88681288-A-T.
Other names: short protein forms E393V.
Identifiers: ClinVar variation 806541 (VCV000806541.23), dbSNP rs1589292573, ClinGen allele CA377461847.